The following is an entry in ClinVar:

NM_007294.4(BRCA1):c.2419G>C (p.Ala807Pro)

Gene: BRCA1 (BRCA1 DNA repair associated; minus strand). Cytogenetic location: 17q21.31.
Variant type: single nucleotide variant.
Coding change: c.2419G>C on transcript NM_007294.4 (MANE Select); coding-DNA position 2419, G replaced by C.
Protein change: p.Ala807Pro; replaces alanine 807 with proline.
Molecular consequence: missense variant. On other transcripts: intron variant (137).
Genome position (GRCh38, 1-based): chr17:43,093,112, C>G on the plus strand (G>C on the coding strand, the complement: BRCA1 is on the minus strand). VCF-style: chr17-43093112-C-G. GRCh37 (hg19) VCF-style: chr17-41245129-C-G.
Other names: c.2206G>C, p.Ala736Pro (NM_001407571.1, NM_001407853.1, NM_001407894.1 and 9 more transcripts); c.2419G>C, p.Ala807Pro (NM_001407581.1, NM_001407582.1, NM_001407583.1 and 30 more transcripts); c.2416G>C, p.Ala806Pro (NM_001407587.1, NM_001407590.1, NM_001407591.1 and 22 more transcripts); c.2410G>C, p.Ala804Pro (NM_001407646.1, NM_001407647.1); c.2296G>C, p.Ala766Pro (NM_001407648.1, NM_001407664.1, NM_001407665.1 and 19 more transcripts); c.2293G>C, p.Ala765Pro (NM_001407649.1, NM_001407670.1, NM_001407671.1 and 11 more transcripts); c.2341G>C, p.Ala781Pro (NM_001407653.1, NM_001407654.1, NM_001407655.1 and 4 more transcripts); c.2338G>C, p.Ala780Pro (NM_001407659.1, NM_001407660.1, NM_001407661.1 and 1 more transcripts); and 41 more; short protein forms A680P, A718P, A719P, A766P, A511P, A679P, A739P, A740P.
Identifiers: ClinVar variation 2735349 (VCV002735349.4), dbSNP rs80357240, ClinGen allele CA10597171.
Genomic context (GRCh38, chr17:43,093,112, plus strand): 5'-CTGTGTCATTTCTATTATCTTTGGAACAACCATGAATTAGTCCCTTGGGGTTTTCAAATG[C>G]TGCACACTGACTCACACATTTATTTGGTTCTGTTTTTGCCTTCCCTAGAGTGCTAACTTC-3'
Protein context (NP_009225.1, residues 797-817): EPNKCVSQCA[Ala807Pro]FENPKGLIHG

ClinVar aggregate classification (germline): Uncertain significance. Review status: criteria provided, multiple submitters, no conflicts (2 of 4 stars). 2 submissions from 2 submitters: Uncertain significance (2). Last evaluated 2025-09-15.

Conditions:
Hereditary cancer-predisposing syndrome. Also called: Tumor predisposition; Hereditary Cancer Syndrome; Neoplastic Syndromes, Hereditary; Hereditary neoplastic syndrome. Identifiers: Orphanet 140162, MedGen C0027672, MeSH D009386, MONDO:0015356.
Hereditary breast ovarian cancer syndrome. Also called: BRCA1- and BRCA2-Associated Hereditary Breast and Ovarian Cancer; Hereditary breast and/or ovarian cancer syndrome; Hereditary breast and ovarian cancer; Hereditary breast and ovarian cancer syndrome (HBOC); Breast and ovarian cancer; Hereditary breast and ovarian cancer syndrome. Identifiers: Orphanet 145, MedGen C0677776, MeSH D061325, MONDO:0003582. Disease mechanism: loss of function.

Submissions (2):

Ambry Genetics
Classification: Uncertain significance for Hereditary cancer-predisposing syndrome. Last evaluated: 2025-09-15. Review status: criteria provided, single submitter. Criteria: Ambry Variant Classification Scheme 2023. Collection method: clinical testing. Allele origin: germline.
Comment: The p.A807P variant (also known as c.2419G>C), located in coding exon 9 of the BRCA1 gene, results from a G to C substitution at nucleotide position 2419. The alanine at codon 807 is replaced by proline, an amino acid with highly similar properties. This amino acid position is well conserved in available vertebrate species. In addition, the in silico prediction for this alteration is inconclusive. Based on the available evidence, the clinical significance of this variant remains unclear.

Labcorp Genetics (formerly Invitae), Labcorp
Classification: Uncertain significance for Hereditary breast ovarian cancer syndrome. Last evaluated: 2023-07-05. Review status: criteria provided, single submitter. Criteria: Invitae Variant Classification Sherloc (09022015). Collection method: clinical testing. Allele origin: germline.
Comment: In summary, the available evidence is currently insufficient to determine the role of this variant in disease. Therefore, it has been classified as a Variant of Uncertain Significance. Advanced modeling of protein sequence and biophysical properties (such as structural, functional, and spatial information, amino acid conservation, physicochemical variation, residue mobility, and thermodynamic stability) performed at Invitae indicates that this missense variant is not expected to disrupt BRCA1 protein function. This variant has not been reported in the literature in individuals affected with BRCA1-related conditions. This variant is not present in population databases (gnomAD no frequency). This sequence change replaces alanine, which is neutral and non-polar, with proline, which is neutral and non-polar, at codon 807 of the BRCA1 protein (p.Ala807Pro).